The following is an entry in ClinVar:

NM_017763.6(RNF43):c.1618G>A (p.Gly540Arg)

Gene: RNF43 (ring finger protein 43; minus strand). Cytogenetic location: 17q22.
Variant type: single nucleotide variant.
Coding change: c.1618G>A on transcript NM_017763.6 (MANE Select); coding-DNA position 1618, G replaced by A.
Protein change: p.Gly540Arg; replaces glycine 540 with arginine.
Molecular consequence: missense variant.
Genome position (GRCh38, 1-based): chr17:58,358,158, C>T on the plus strand (G>A on the coding strand, the complement: RNF43 is on the minus strand). VCF-style: chr17-58358158-C-T. GRCh37 (hg19) VCF-style: chr17-56435519-C-T.
Other names: c.1618G>A, p.Gly540Arg (NM_001305544.3); c.1237G>A, p.Gly413Arg (NM_001305545.2); short protein forms G413R, G540R.
Identifiers: ClinVar variation 3946837 (VCV003946837.1).
Genomic context (GRCh38, chr17:58,358,158, plus strand): 5'-TTTTGTAGTGGTGGTGCCGGTGGCGGTGGTAGTGGACATGGCTGGAAACCTGGGTTTCCC[C>T]TGTGGGCACCACCGAGTCCAAGGAACGAGGCCGAGAGGTCACACTAGGCTGCATGTCCAC-3'
Protein context (NP_060233.3, residues 530-550): PRSLDSVVPT[Gly540Arg]ETQVSSHVHY

ClinVar aggregate classification (germline): Uncertain significance (1 of 4 stars; one submission).

gnomAD v4.1: 1 of 1,612,608 alleles (0.000062%); highest among the groups gnomAD compares: Non-Finnish European, 0.000085%; no homozygotes.

Submission:

Ambry Genetics
Classification: Uncertain significance. Last evaluated: 2025-03-28. Review status: criteria provided, single submitter. Criteria: Ambry Variant Classification Scheme 2023. Collection method: clinical testing. Allele origin: germline.
Comment: The p.G540R variant (also known as c.1618G>A), located in coding exon 8 of the RNF43 gene, results from a G to A substitution at nucleotide position 1618. The glycine at codon 540 is replaced by arginine, an amino acid with dissimilar properties. This amino acid position is conserved. In addition, this alteration is predicted to be tolerated by in silico analysis. Based on the available evidence, the clinical significance of this variant remains unclear.